The following is an entry in ClinVar:

ClinVar aggregate classification (germline): Uncertain significance (1 of 4 stars; one submission).

gnomAD v4.1: 1 of 1,614,156 alleles (0.000062%); no homozygotes.

Submission:

Labcorp Genetics (formerly Invitae), Labcorp
Classification: Uncertain significance. Last evaluated: 2022-04-12. Review status: criteria provided, single submitter. Criteria: Invitae Variant Classification Sherloc (09022015). Collection method: clinical testing. Allele origin: germline.
Comment: This sequence change replaces arginine, which is basic and polar, with lysine, which is basic and polar, at codon 412 of the CYP4V2 protein (p.Arg412Lys). In summary, the available evidence is currently insufficient to determine the role of this variant in disease. Therefore, it has been classified as a Variant of Uncertain Significance. Algorithms developed to predict the effect of missense changes on protein structure and function output the following: SIFT: "Tolerated"; PolyPhen-2: "Benign"; Align-GVGD: "Class C0". The lysine amino acid residue is found in multiple mammalian species, which suggests that this missense change does not adversely affect protein function. This variant has not been reported in the literature in individuals affected with CYP4V2-related conditions. This variant is not present in population databases (gnomAD no frequency).

NM_207352.4(CYP4V2):c.1235G>A (p.Arg412Lys)

Gene: CYP4V2 (cytochrome P450 family 4 subfamily V member 2; plus strand). Cytogenetic location: 4q35.2.
Variant type: single nucleotide variant.
Coding change: c.1235G>A on transcript NM_207352.4 (MANE Select); coding-DNA position 1235, G replaced by A.
Protein change: p.Arg412Lys; replaces arginine 412 with lysine.
Molecular consequence: missense variant.
Genome position (GRCh38, 1-based): chr4:186,209,102, G>A. VCF-style: chr4-186209102-G-A. GRCh37 (hg19) VCF-style: chr4-187130256-G-A.
Other names: short protein forms R412K.
Identifiers: ClinVar variation 2125317 (VCV002125317.4), dbSNP rs745710586, ClinGen allele CA358950360.